The following is an entry in ClinVar:

NM_001429.4(EP300):c.1637A>C (p.Glu546Ala)

Gene: EP300 (EP300 lysine acetyltransferase; plus strand). Cytogenetic location: 22q13.2.
Variant type: single nucleotide variant.
Coding change: c.1637A>C on transcript NM_001429.4 (MANE Select); coding-DNA position 1637, A replaced by C.
Protein change: p.Glu546Ala; replaces glutamic acid 546 with alanine.
Molecular consequence: missense variant.
Genome position (GRCh38, 1-based): chr22:41,137,667, A>C. VCF-style: chr22-41137667-A-C. GRCh37 (hg19) VCF-style: chr22-41533671-A-C.
Other names: c.1637A>C, p.Glu546Ala (NM_001362843.2); short protein forms E546A.
Identifiers: ClinVar variation 3666157 (VCV003666157.2).

ClinVar aggregate classification (germline): Uncertain significance (1 of 4 stars; one submission).

Conditions:
Rubinstein-Taybi syndrome due to EP300 haploinsufficiency. Also called: EP300-Related Rubinstein-Taybi Syndrome; RUBINSTEIN-TAYBI SYNDROME 2. Identifiers: Orphanet 353284, Orphanet 783, MedGen C3150941, MONDO:0013364, OMIM 613684.

Submission:

Labcorp Genetics (formerly Invitae), Labcorp
Classification: Uncertain significance for Rubinstein-Taybi syndrome due to EP300 haploinsufficiency. Last evaluated: 2024-09-12. Review status: criteria provided, single submitter. Criteria: Invitae Variant Classification Sherloc (09022015). Collection method: clinical testing. Allele origin: germline.
Comment: This sequence change replaces glutamic acid, which is acidic and polar, with alanine, which is neutral and non-polar, at codon 546 of the EP300 protein (p.Glu546Ala). This variant is not present in population databases (gnomAD no frequency). This variant has not been reported in the literature in individuals affected with EP300-related conditions. Invitae Evidence Modeling of protein sequence and biophysical properties (such as structural, functional, and spatial information, amino acid conservation, physicochemical variation, residue mobility, and thermodynamic stability) indicates that this missense variant is not expected to disrupt EP300 protein function with a negative predictive value of 80%. In summary, the available evidence is currently insufficient to determine the role of this variant in disease. Therefore, it has been classified as a Variant of Uncertain Significance.